The following is an entry in ClinVar:

ClinVar aggregate classification (germline): Uncertain significance (1 of 4 stars; one submission).

Submission:

Labcorp Genetics (formerly Invitae), Labcorp
Classification: Uncertain significance. Last evaluated: 2022-03-04. Review status: criteria provided, single submitter. Criteria: Invitae Variant Classification Sherloc (09022015). Collection method: clinical testing. Allele origin: germline.
Comment: In summary, the available evidence is currently insufficient to determine the role of this variant in disease. Therefore, it has been classified as a Variant of Uncertain Significance. Algorithms developed to predict the effect of missense changes on protein structure and function (SIFT, PolyPhen-2, Align-GVGD) all suggest that this variant is likely to be disruptive. This sequence change replaces glycine, which is neutral and non-polar, with glutamic acid, which is acidic and polar, at codon 1387 of the MPDZ protein (p.Gly1387Glu). This variant is not present in population databases (gnomAD no frequency). This variant has not been reported in the literature in individuals affected with MPDZ-related conditions.

NM_001378778.1(MPDZ):c.4160G>A (p.Gly1387Glu)

Gene: MPDZ (multiple PDZ domain crumbs cell polarity complex component; minus strand). Cytogenetic location: 9p23.
Variant type: single nucleotide variant.
Coding change: c.4160G>A on transcript NM_001378778.1 (MANE Select); coding-DNA position 4160, G replaced by A.
Protein change: p.Gly1387Glu; replaces glycine 1387 with glutamic acid.
Molecular consequence: missense variant.
Genome position (GRCh38, 1-based): chr9:13,137,997, C>T on the plus strand (G>A on the coding strand, the complement: MPDZ is on the minus strand). VCF-style: chr9-13137997-C-T. GRCh37 (hg19) VCF-style: chr9-13137996-C-T.
Other names: c.3950G>A, p.Gly1317Glu (NM_001375420.1, NM_001375421.1, NM_001375422.1 and 4 more transcripts); c.3752G>A, p.Gly1251Glu (NM_001375427.1); c.4160G>A, p.Gly1387Glu (NM_003829.5, NM_001330637.2, NM_001375413.1); c.4061G>A, p.Gly1354Glu (NM_001261406.2, NM_001261407.2, NM_001375416.1 and 3 more transcripts); short protein forms G1317E, G1354E, G1251E, G1387E.
Identifiers: ClinVar variation 2106091 (VCV002106091.4), dbSNP rs2489470791, ClinGen allele CA372949114.